The following is an entry in ClinVar:

NM_002582.4(PARN):c.98-3T>C

Gene: PARN (poly(A)-specific ribonuclease; minus strand). Cytogenetic location: 16p13.12.
Variant type: single nucleotide variant.
Coding change: c.98-3T>C on transcript NM_002582.4 (MANE Select); 3 bases into the intron before coding-DNA position 98, T replaced by C.
Molecular consequence: intron variant.
Genome position (GRCh38, 1-based): chr16:14,628,254, A>G on the plus strand (T>C on the coding strand, the complement: PARN is on the minus strand). VCF-style: chr16-14628254-A-G. GRCh37 (hg19) VCF-style: chr16-14722111-A-G.
Other names: c.-86-3T>C (NM_001134477.3); c.98-3T>C (NM_001242992.2).
Identifiers: ClinVar variation 4786528 (VCV004786528.1).

ClinVar aggregate classification (germline): Uncertain significance (1 of 4 stars; one submission).

Conditions:
Dyskeratosis congenita, autosomal recessive 6 (DKCB6). Identifiers: MedGen C4225356, MONDO:0014600, OMIM 616353.
Pulmonary fibrosis and/or bone marrow failure, Telomere-related, 4. Also called: PULMONARY FIBROSIS AND/OR BONE MARROW FAILURE SYNDROME, TELOMERE-RELATED, 4. Identifiers: Orphanet 2032, MedGen C4225347, MONDO:0014612, OMIM 616371.

Submission:

Labcorp Genetics (formerly Invitae), Labcorp
Classification: Uncertain significance for Dyskeratosis congenita, autosomal recessive 6; Pulmonary fibrosis and/or bone marrow failure, Telomere-related, 4. Last evaluated: 2025-10-26. Review status: criteria provided, single submitter. Criteria: Invitae Variant Classification Sherloc (09022015). Collection method: clinical testing. Allele origin: germline.
Comment: This sequence change falls in intron 2 of the PARN gene. It does not directly change the encoded amino acid sequence of the PARN protein. It affects a nucleotide within the consensus splice site. This variant is not present in population databases (gnomAD no frequency). This variant has not been reported in the literature in individuals affected with PARN-related conditions. Variants that disrupt the consensus splice site are a relatively common cause of aberrant splicing (PMID: 17576681, 9536098). Algorithms developed to predict the effect of sequence changes on RNA splicing suggest that this variant is not likely to affect RNA splicing. In summary, the available evidence is currently insufficient to determine the role of this variant in disease. Therefore, it has been classified as a Variant of Uncertain Significance.

Literature cited by the submitters: PubMed 17576681; PubMed 9536098.